The following is an entry in ClinVar:

NM_199420.4(POLQ):c.7226C>T (p.Ala2409Val)

Gene: POLQ (DNA polymerase theta; minus strand). Cytogenetic location: 3q13.33.
Variant type: single nucleotide variant.
Coding change: c.7226C>T on transcript NM_199420.4 (MANE Select); coding-DNA position 7226, C replaced by T.
Protein change: p.Ala2409Val; replaces alanine 2409 with valine.
Molecular consequence: missense variant.
Genome position (GRCh38, 1-based): chr3:121,449,353, G>A on the plus strand (C>T on the coding strand, the complement: POLQ is on the minus strand). VCF-style: chr3-121449353-G-A. GRCh37 (hg19) VCF-style: chr3-121168200-G-A.
Other names: short protein forms A2409V.
Identifiers: ClinVar variation 3230141 (VCV003230141.1), dbSNP rs2546755931, ClinGen allele CA354102347.
Genomic context (GRCh38, chr3:121,449,353, plus strand): 5'-TACTATCTAGAAGATAAATTACCTGTGTATCTGGATTTGAAGGAGTCAATATAGCATGCA[G>A]CATCATTTTCTTTAATGCCCATCTGCTCTCCCAAAGATTTAGCTCCCATTCCATAAATGA-3'
Protein context (NP_955452.3, residues 2399-2419): GEQMGIKEND[Ala2409Val]ACYIDSFKSR

ClinVar aggregate classification (germline): Uncertain significance (1 of 4 stars; one submission).

Allele frequency attached by ClinVar (database versions not stated): gnomAD exomes below 0.00001.
gnomAD v4.1: 3 of 1,596,786 alleles (0.00019%); highest among the groups gnomAD compares: Middle Eastern, 0.033%; no homozygotes.

Submission:

Ambry Genetics
Classification: Uncertain significance. Last evaluated: 2023-11-03. Review status: criteria provided, single submitter. Criteria: Ambry Variant Classification Scheme 2023. Collection method: clinical testing. Allele origin: germline.
Comment: The p.A2409V variant (also known as c.7226C>T), located in coding exon 26 of the POLQ gene, results from a C to T substitution at nucleotide position 7226. The alanine at codon 2409 is replaced by valine, an amino acid with similar properties. This amino acid position is conserved. In addition, this alteration is predicted to be deleterious by in silico analysis. Since supporting evidence is limited at this time, the clinical significance of this alteration remains unclear.